The following is an entry in ClinVar:

ClinVar aggregate classification (germline): Uncertain significance (1 of 4 stars; one submission).

Submission:

Women's Health and Genetics/Laboratory Corporation of America, LabCorp
Classification: Uncertain significance. Last evaluated: 2026-04-15. Review status: criteria provided, single submitter. Criteria: LabCorp Variant Classification Summary - May 2015. Collection method: clinical testing. Allele origin: germline.
Comment: Variant summary: ABCB11 c.3482A>G (p.Gln1161Arg) results in a conservative amino acid change in the encoded protein sequence. Algorithms developed to predict the effect of missense changes on protein structure and function are either unavailable or do not agree on the potential impact of this missense change. The variant was absent in 249224 control chromosomes (gnomAD). The available data on variant occurrences in the general population are insufficient to allow any conclusion about variant significance. c.3482A>G has been observed in one individual affected with Progressive familial intrahepatic cholestasis (Hertel_2021). These data do not allow any conclusion about variant significance. To our knowledge, no experimental evidence demonstrating an impact on protein function has been reported. The following publication have been ascertained in the context of this evaluation (PMID: 34016879). No submitters have cited clinical-significance assessments for this variant to ClinVar. Based on the evidence outlined above, the variant was classified as uncertain significance.

Literature cited by the submitters: PubMed 34016879.

NM_003742.4(ABCB11):c.3482A>G (p.Gln1161Arg)

Gene: ABCB11 (ATP binding cassette subfamily B member 11; minus strand). Cytogenetic location: 2q31.1.
Variant type: single nucleotide variant.
Coding change: c.3482A>G on transcript NM_003742.4 (MANE Select); coding-DNA position 3482, A replaced by G.
Protein change: p.Gln1161Arg; replaces glutamine 1161 with arginine.
Molecular consequence: missense variant.
Genome position (GRCh38, 1-based): chr2:168,927,292, T>C on the plus strand (A>G on the coding strand, the complement: ABCB11 is on the minus strand). VCF-style: chr2-168927292-T-C. GRCh37 (hg19) VCF-style: chr2-169783802-T-C.
Other names: short protein forms Q1161R.
Identifiers: ClinVar variation 4848547 (VCV004848547.1).